The following is an entry in ClinVar:

NM_004629.2(FANCG):c.110T>C (p.Leu37Pro)

Gene: FANCG (FA complementation group G; minus strand). Cytogenetic location: 9p13.3.
Variant type: single nucleotide variant.
Coding change: c.110T>C on transcript NM_004629.2 (MANE Select); coding-DNA position 110, T replaced by C.
Protein change: p.Leu37Pro; replaces leucine 37 with proline.
Molecular consequence: missense variant.
Genome position (GRCh38, 1-based): chr9:35,079,216, A>G on the plus strand (T>C on the coding strand, the complement: FANCG is on the minus strand). VCF-style: chr9-35079216-A-G. GRCh37 (hg19) VCF-style: chr9-35079213-A-G.
Other names: short protein forms L37P.
Identifiers: ClinVar variation 4619346 (VCV004619346.1).

ClinVar aggregate classification (germline): Uncertain significance (1 of 4 stars; one submission).

Conditions:
Inborn genetic diseases. Identifiers: MedGen C0950123, MeSH D030342.

Submission:

Ambry Genetics
Classification: Uncertain significance for Inborn genetic diseases. Last evaluated: 2025-09-19. Review status: criteria provided, single submitter. Criteria: Ambry Variant Classification Scheme 2023. Collection method: clinical testing. Allele origin: germline.
Comment: The p.L37P variant (also known as c.110T>C), located in coding exon 2 of the FANCG gene, results from a T to C substitution at nucleotide position 110. The leucine at codon 37 is replaced by proline, an amino acid with similar properties. This amino acid position is conserved. In addition, this alteration is predicted to be tolerated by in silico analysis. Based on the available evidence, the clinical significance of this variant remains unclear.